The following is an entry in ClinVar:

ClinVar aggregate classification (germline): Uncertain significance. Review status: criteria provided, multiple submitters, no conflicts (2 of 4 stars). 6 submissions from 6 submitters: Uncertain significance (5). 1 of the submissions does not count toward it. Last evaluated 2025-11-22.

Conditions:
Cardiac arrhythmia. Also called: Arrhythmia; Cardiac rhythm disease. Identifiers: MedGen C0003811, MONDO:0007263, HP:0011675.
Long QT syndrome 2 (LQT2). Identifiers: Orphanet 101016, Orphanet 768, MedGen C3150943, MONDO:0013367, OMIM 613688.
Short QT syndrome type 1. Identifiers: Orphanet 51083, MedGen C1865020, MONDO:0012312, OMIM 609620.
Long QT syndrome (LQTS). Identifiers: MedGen C0023976, MeSH D008133, MONDO:0002442. Disease mechanism: loss of function. Inheritance: Various modes of inheritance.

Allele frequency attached by ClinVar (database versions not stated): gnomAD 0.00002 and 0.00003; gnomAD exomes 0.00002 and 0.00003; TOPMed 0.00002; ExAC 0.00004; ESP Exome Variant Server 0.00008.
gnomAD v4.1: 34 of 1,608,036 alleles (0.0021%); highest among the groups gnomAD compares: Admixed American, 0.005%; no homozygotes.

Submissions (6):

Labcorp Genetics (formerly Invitae), Labcorp
Classification: Uncertain significance for Long QT syndrome. Last evaluated: 2025-11-22. Review status: criteria provided, single submitter. Criteria: Invitae Variant Classification Sherloc (09022015). Collection method: clinical testing. Allele origin: germline.
Comment: This sequence change replaces proline, which is neutral and non-polar, with leucine, which is neutral and non-polar, at codon 968 of the KCNH2 protein (p.Pro968Leu). This variant is present in population databases (rs199473017, gnomAD 0.006%). This missense change has been observed in individual(s) with clinical features of long QT syndrome (PMID: 16414944, 29544605, 29672598, 31337358; internal data). ClinVar contains an entry for this variant (Variation ID: 67452). An algorithm developed to predict the effect of missense changes on protein structure and function outputs the following: PolyPhen-2: "Benign". The leucine amino acid residue is found in multiple mammalian species, which suggests that this missense change does not adversely affect protein function. In summary, the available evidence is currently insufficient to determine the role of this variant in disease. Therefore, it has been classified as a Variant of Uncertain Significance.

All of Us Research Program, National Institutes of Health
Classification: Uncertain significance for Long QT syndrome. Last evaluated: 2024-03-24. Review status: criteria provided, single submitter. Criteria: ACMG Guidelines, 2015. Collection method: clinical testing. Allele origin: germline. Inheritance: Autosomal dominant inheritance. Observed: 6 variant alleles, 6 heterozygotes.
Comment: This missense variant replaces proline with leucine at codon 968 of the KCNH2 protein. Computational prediction is inconclusive regarding the impact of this variant on protein structure and function (internally defined REVEL score threshold 0.5 < inconclusive < 0.7, PMID: 27666373). To our knowledge, functional studies have not been reported for this variant. This variant has been reported in two unrelated individuals affected with long QT syndrome (PMID: 16414944, 21130900) and in individual(s) affected with sudden death (PMID: 21070882, 29672598, 31337358). This variant has also been identified in 8/232548 chromosomes in the general population by the Genome Aggregation Database (gnomAD). The available evidence is insufficient to determine the role of this variant in disease conclusively. Therefore, this variant is classified as a Variant of Uncertain Significance.

This study involves interpretation of variants in research participants for the purpose of population health screening. Participant phenotype was not available at the time of variant classification. Additional details can be found in publication PMID: 35346344, PMCID: PMC8962531

Color Diagnostics, LLC DBA Color Health
Classification: Uncertain significance for Cardiac arrhythmia. Last evaluated: 2024-02-14. Review status: criteria provided, single submitter. Criteria: ACMG Guidelines, 2015. Collection method: clinical testing. Allele origin: germline.
Comment: This missense variant replaces proline with leucine at codon 968 of the KCNH2 protein. Computational prediction is inconclusive regarding the impact of this variant on protein structure and function (internally defined REVEL score threshold 0.5 < inconclusive < 0.7, PMID: 27666373). To our knowledge, functional studies have not been reported for this variant. This variant has been reported in two unrelated individuals affected with long QT syndrome (PMID: 16414944, 21130900) and in individual(s) affected with sudden death (PMID: 21070882, 29672598, 31337358). This variant has also been identified in 8/232548 chromosomes in the general population by the Genome Aggregation Database (gnomAD). The available evidence is insufficient to determine the role of this variant in disease conclusively. Therefore, this variant is classified as a Variant of Uncertain Significance.

Fulgent Genetics
Classification: Uncertain significance for Short QT syndrome type 1; Long QT syndrome 2. Last evaluated: 2022-04-26. Review status: criteria provided, single submitter. Criteria: ACMG Guidelines, 2015. Collection method: clinical testing. Allele origin: unknown.

Illumina Laboratory Services, Illumina
Classification: Uncertain significance for Long QT syndrome 2. Last evaluated: 2017-04-28. Review status: criteria provided, single submitter. Criteria: ICSL Variant Classification Criteria 13 December 2019. Collection method: clinical testing. Allele origin: germline.

Cardiovascular Biomedical Research Unit, Royal Brompton & Harefield NHS Foundation Trust
No classification provided. Review status: no classification provided. Collection method: literature only. Allele origin: germline. Not counted in ClinVar's aggregate classification.
Comment: This variant has been reported in the following publications (PMID:16414944;PMID:19841300).

Literature cited by the submitters: PubMed 16414944 (cited by 4 submitters); PubMed 29544605 (cited by Labcorp Genetics (formerly Invitae), Labcorp); PubMed 29672598 (cited by 3 submitters); PubMed 31337358 (cited by 3 submitters); PubMed 21070882 (cited by All of Us Research Program, National Institutes of Health and Color Diagnostics, LLC DBA Color Health); PubMed 21130900 (cited by All of Us Research Program, National Institutes of Health and Color Diagnostics, LLC DBA Color Health); PubMed 19841300 (cited by Cardiovascular Biomedical Research Unit, Royal Brompton & Harefield NHS Foundation Trust); PubMed 22581653 (cited by Cardiovascular Biomedical Research Unit, Royal Brompton & Harefield NHS Foundation Trust).

NM_000238.4(KCNH2):c.2903C>T (p.Pro968Leu)

Gene: KCNH2 (potassium voltage-gated channel subfamily H member 2; minus strand). Cytogenetic location: 7q36.1.
Variant type: single nucleotide variant.
Coding change: c.2903C>T on transcript NM_000238.4 (MANE Select); coding-DNA position 2903, C replaced by T.
Protein change: p.Pro968Leu; replaces proline 968 with leucine.
Molecular consequence: missense variant.
Genome position (GRCh38, 1-based): chr7:150,947,668, G>A on the plus strand (C>T on the coding strand, the complement: KCNH2 is on the minus strand). VCF-style: chr7-150947668-G-A. GRCh37 (hg19) VCF-style: chr7-150644756-G-A.
Other names: c.1883C>T, p.Pro628Leu (NM_172057.3); c.2903C>T (LRG_288t1); short protein forms P628L, P968L.
Identifiers: ClinVar variation 67452 (VCV000067452.21), dbSNP rs199473017, ClinGen allele CA007612.
Genomic context (GRCh38, chr7:150,947,668, plus strand): 5'-GACAGGGGGTTGCAAGTGTCGCTGCTCTTCTCGCAGTCCTCCATCAGGGGCTCCCCACCC[G>A]GCGGCTCTCCGGGGGGCCTGGGGCTGGAGAAGGGCACCAGGCGGAGGGGGCTGGAGCTGC-3'
Protein context (NP_000229.1, residues 958-978): FSSPRPPGEP[Pro968Leu]GGEPLMEDCE